The following is an entry in ClinVar:

NM_152594.3(SPRED1):c.446G>A (p.Ser149Asn)

Gene: SPRED1 (sprouty related EVH1 domain containing 1; plus strand). Cytogenetic location: 15q14.
Variant type: single nucleotide variant.
Coding change: c.446G>A on transcript NM_152594.3 (MANE Select); coding-DNA position 446, G replaced by A.
Protein change: p.Ser149Asn; replaces serine 149 with asparagine.
Molecular consequence: missense variant.
Genome position (GRCh38, 1-based): chr15:38,339,759, G>A. VCF-style: chr15-38339759-G-A. GRCh37 (hg19) VCF-style: chr15-38631960-G-A.
Other names: short protein forms S149N.
Identifiers: ClinVar variation 468798 (VCV000468798.19), dbSNP rs373384814, ClinGen allele CA7470093.
Genomic context (GRCh38, chr15:38,339,759, plus strand): 5'-ATTCTGGCAACTAATGCATTGAGGGTTGTTCCCAATAGGCAAATGAAGAGGATTCTTCCA[G>A]TTCTCTAGTGAAGGATCACCTTTTTCAGCAAGAGACAGTTGTTACCAGTGAGCCTTATAG-3'
Protein context (NP_689807.1, residues 139-159): DLQANEEDSS[Ser149Asn]SLVKDHLFQQ

ClinVar aggregate classification (germline): Benign/Likely benign. Review status: criteria provided, multiple submitters, no conflicts (2 of 4 stars). 8 submissions from 8 submitters: Benign (6); Likely benign (2). Last evaluated 2026-08-01.

Conditions:
Cardiovascular phenotype. Identifiers: MedGen CN230736.
Legius syndrome. Identifiers: Orphanet 137605, MedGen C1969623, MONDO:0012669, OMIM 611431. Disease mechanism: loss of function.

Allele frequency attached by ClinVar (database versions not stated): gnomAD 0.00001 and 0.00017; TOPMed 0.00004; ESP Exome Variant Server 0.00008; gnomAD exomes 0.00036 and 0.00083; ExAC 0.00093; 1000 Genomes Project 30x 0.00125; 1000 Genomes Project 0.00160.

Submissions (8):

CeGaT Center for Human Genetics Tuebingen
Classification: Likely benign. Last evaluated: 2026-08-01. Review status: criteria provided, single submitter. Criteria: CeGaT Center For Human Genetics Tuebingen Variant Classification Criteria Version 2. Collection method: clinical testing. Allele origin: germline. Affected: yes. Observed: 1 variant allele.
Comment: SPRED1: BP4, BS1

Ambry Genetics
Classification: Benign for Cardiovascular phenotype. Last evaluated: 2026-07-01. Review status: criteria provided, single submitter. Criteria: Ambry Variant Classification Scheme 2023. Collection method: clinical testing. Allele origin: germline.

Labcorp Genetics (formerly Invitae), Labcorp
Classification: Benign for Legius syndrome. Last evaluated: 2026-02-01. Review status: criteria provided, single submitter. Criteria: Invitae Variant Classification Sherloc (09022015). Collection method: clinical testing. Allele origin: germline.

Blueprint Genetics
Classification: Likely benign. Last evaluated: 2024-11-07. Review status: criteria provided, single submitter. Criteria: ACMG Guidelines, 2015. Collection method: clinical testing. Allele origin: germline.

KCCC/NGS Laboratory, Kuwait Cancer Control Center
Classification: Benign for Legius syndrome. Last evaluated: 2023-07-07. Review status: criteria provided, single submitter. Criteria: ACMG Guidelines, 2015. Collection method: clinical testing. Allele origin: germline. Affected: yes.

Genetic Services Laboratory, University of Chicago
Classification: Benign. Last evaluated: 2021-08-03. Review status: criteria provided, single submitter. Criteria: ACMG Guidelines, 2015. Collection method: clinical testing. Allele origin: germline. Affected: no.

GeneDx
Classification: Benign. Last evaluated: 2018-02-01. Review status: criteria provided, single submitter. Criteria: GeneDx Variant Classification (06012015). Collection method: clinical testing. Allele origin: germline. Affected: yes.
Comment: This variant is considered likely benign or benign based on one or more of the following criteria: it is a conservative change, it occurs at a poorly conserved position in the protein, it is predicted to be benign by multiple in silico algorithms, and/or has population frequency not consistent with disease.

Women's Health and Genetics/Laboratory Corporation of America, LabCorp
Classification: Benign. Last evaluated: 2017-04-17. Review status: criteria provided, single submitter. Criteria: LabCorp Variant Classification Summary - May 2015. Collection method: clinical testing. Allele origin: germline.
Comment: Variant summary: The SPRED1 c.446G>A (p.Ser149Asn) variant involves the alteration of a conserved nucleotide. The variant lies within the WH1/EVH1 domain and the PH domain-like domain (InterPro). 4/4 in silico tools predict a benign outcome for this variant (SNPs&GO not captured due to low reliability index). This variant was found in the large control database ExAC in 113/123230 control chromosomes of all ethnicities, but was predominantly observed in the South Asian subpopulation at a frequency of 0.006663 (110/16510 with 3 homozygotes). This frequency is about 2665 times the estimated maximal expected allele frequency of a pathogenic SPRED1 variant (0.0000025), providing strong evidence that this is likely a benign polymorphism found primarily in the populations of South Asian origin. Two studies identified the variant in patient cohorts, one of which identified an unaffected father of the proband carrying the variant, showing lack of cosegregation (Messiaen_JAMA_2009). Additionally, functional studies that measured inhibition of MEK, ERK activation, FGF-induced Elk1 activation, Raf1 kinase activity and phosphorylation, and effect this variant on differentiation of PC12 cells show that this variant behaves similar to the WT control, in contrary to several truncating mutations also tested, suggesting the variant has no significant functional effect (Brems_Nat Genet_2007, Messiaen_JAMA_2009). Taken together, this variant is classified as benign.

Literature cited by the submitters: PubMed 19920235 (cited by Women's Health and Genetics/Laboratory Corporation of America, LabCorp); PubMed 17704776 (cited by Women's Health and Genetics/Laboratory Corporation of America, LabCorp).